The following is an entry in ClinVar:

ClinVar aggregate classification (germline): Uncertain significance (1 of 4 stars; one submission).

Conditions:
Cardiovascular phenotype. Identifiers: MedGen CN230736.

gnomAD v4.1: 3 of 1,612,252 alleles (0.00019%); highest among the groups gnomAD compares: African/African-American, 0.0013%; no homozygotes.

Submission:

Ambry Genetics
Classification: Uncertain significance for Cardiovascular phenotype. Last evaluated: 2023-11-30. Review status: criteria provided, single submitter. Criteria: Ambry Variant Classification Scheme 2023. Collection method: clinical testing. Allele origin: germline.
Comment: The p.A126V variant (also known as c.377C>T), located in coding exon 4 of the TECRL gene, results from a C to T substitution at nucleotide position 377. The alanine at codon 126 is replaced by valine, an amino acid with similar properties. This amino acid position is conserved. In addition, this alteration is predicted to be tolerated by in silico analysis. Since supporting evidence is limited at this time, the clinical significance of this alteration remains unclear.

NM_001010874.5(TECRL):c.377C>T (p.Ala126Val)

Gene: TECRL (trans-2,3-enoyl-CoA reductase like; minus strand). Cytogenetic location: 4q13.1.
Variant type: single nucleotide variant.
Coding change: c.377C>T on transcript NM_001010874.5 (MANE Select); coding-DNA position 377, C replaced by T.
Protein change: p.Ala126Val; replaces alanine 126 with valine.
Molecular consequence: missense variant.
Genome position (GRCh38, 1-based): chr4:64,322,747, G>A on the plus strand (C>T on the coding strand, the complement: TECRL is on the minus strand). VCF-style: chr4-64322747-G-A. GRCh37 (hg19) VCF-style: chr4-65188465-G-A.
Other names: c.377C>T, p.Ala126Val (NM_001363796.1); short protein forms A126V.
Identifiers: ClinVar variation 1734837 (VCV001734837.2), dbSNP rs758525510, ClinGen allele CA357144802.